The following is an entry in ClinVar:

NM_144687.4(NLRP12):c.674T>C (p.Met225Thr)

Gene: NLRP12 (NLR family pyrin domain containing 12; minus strand). Cytogenetic location: 19q13.42.
Variant type: single nucleotide variant.
Coding change: c.674T>C on transcript NM_144687.4 (MANE Select); coding-DNA position 674, T replaced by C.
Protein change: p.Met225Thr; replaces methionine 225 with threonine.
Molecular consequence: missense variant.
Genome position (GRCh38, 1-based): chr19:53,810,985, A>G on the plus strand (T>C on the coding strand, the complement: NLRP12 is on the minus strand). VCF-style: chr19-53810985-A-G. GRCh37 (hg19) VCF-style: chr19-54314239-A-G.
Other names: c.674T>C, p.Met225Thr (NM_001277126.2, NM_001277129.1); short protein forms M225T.
Identifiers: ClinVar variation 3602855 (VCV003602855.1).

ClinVar aggregate classification (germline): Uncertain significance (1 of 4 stars; one submission).

Submission:

GeneDx
Classification: Uncertain significance. Last evaluated: 2024-08-09. Review status: criteria provided, single submitter. Criteria: GeneDx Variant Classification Process June 2021. Collection method: clinical testing. Allele origin: germline. Affected: yes.
Comment: Not observed at significant frequency in large population cohorts (gnomAD); In silico analysis indicates that this missense variant does not alter protein structure/function; Has not been previously published as pathogenic or benign to our knowledge